The following is an entry in ClinVar:

NM_001267550.2(TTN):c.5797G>T (p.Glu1933Ter)

Gene: TTN (titin; minus strand). Cytogenetic location: 2q31.2.
Variant type: single nucleotide variant.
Coding change: c.5797G>T on transcript NM_001267550.2 (MANE Select); coding-DNA position 5797, G replaced by T.
Protein change: p.Glu1933Ter; replaces glutamic acid 1933 with a stop codon.
Molecular consequence: nonsense.
Genome position (GRCh38, 1-based): chr2:178,776,067, C>A on the plus strand (G>T on the coding strand, the complement: TTN is on the minus strand). VCF-style: chr2-178776067-C-A. GRCh37 (hg19) VCF-style: chr2-179640794-C-A.
Other names: c.5797G>T, p.Glu1933Ter (NM_001256850.1, NM_133378.4, NM_133379.5); c.5659G>T, p.Glu1887Ter (NM_003319.4, NM_133432.3, NM_133437.4); short protein forms E1887*, E1933*.
Identifiers: ClinVar variation 2945523 (VCV002945523.3), dbSNP rs769734824, ClinGen allele CA349447150.

ClinVar aggregate classification (germline): Likely pathogenic (1 of 4 stars; one submission).

Conditions:
Dilated cardiomyopathy 1G (CMD1G). Identifiers: Orphanet 154, MedGen C1858763, MONDO:0011400, OMIM 604145.
Autosomal recessive limb-girdle muscular dystrophy type 2J (LGMDR10). Also called: Limb-girdle muscular dystrophy, type 2J; MUSCULAR DYSTROPHY, LIMB-GIRDLE, AUTOSOMAL RECESSIVE 10. Identifiers: Orphanet 140922, MedGen C1837342, MONDO:0012127, OMIM 608807.

Submission:

Labcorp Genetics (formerly Invitae), Labcorp
Classification: Likely pathogenic for Dilated cardiomyopathy 1G; Autosomal recessive limb-girdle muscular dystrophy type 2J. Last evaluated: 2024-10-27. Review status: criteria provided, single submitter. Criteria: Invitae Variant Classification Sherloc (09022015). Collection method: clinical testing. Allele origin: germline.
Comment: This sequence change creates a premature translational stop signal (p.Glu1933*) in the TTN gene. While this is not anticipated to result in nonsense mediated decay, it is expected to create a truncated TTN protein This variant is not present in population databases (gnomAD no frequency). This variant has not been observed in the literature in individuals with autosomal recessive TTN-related conditions. This variant has been reported in individual(s) with autosomal dominant dilated cardiomyopathy (internal data); however, the role of the variant in this condition is currently unclear. This variant is located in the Z band of TTN (PMID: 25589632). Truncating variants in this region have been reported in individuals affected with autosomal recessive centronuclear myopathy (PMID: 33449170, internal data). Truncating variants in this region have also been identified in individuals affected with autosomal dominant dilated cardiomyopathy and/or cardio-related conditions (PMID: 27869827, 32964742, internal data). In summary, the currently available evidence indicates that the variant is pathogenic, but additional data are needed to prove that conclusively. Therefore, this variant has been classified as Likely Pathogenic.

Literature cited by the submitters: PubMed 25589632; PubMed 33449170; PubMed 27869827; PubMed 32964742.